The following is an entry in ClinVar:

ClinVar aggregate classification (germline): Uncertain significance (1 of 4 stars; one submission).

gnomAD v4.1: 25 of 1,614,068 alleles (0.0015%); highest among the groups gnomAD compares: Non-Finnish European, 0.0019%; no homozygotes.

Submission:

Labcorp Genetics (formerly Invitae), Labcorp
Classification: Uncertain significance. Last evaluated: 2025-05-07. Review status: criteria provided, single submitter. Criteria: Invitae Variant Classification Sherloc (09022015). Collection method: clinical testing. Allele origin: germline.
Comment: This sequence change replaces arginine, which is basic and polar, with cysteine, which is neutral and slightly polar, at codon 315 of the LIPG protein (p.Arg315Cys). This variant is present in population databases (no rsID available, gnomAD 0.003%). This variant has not been reported in the literature in individuals affected with LIPG-related conditions. An algorithm developed to predict the effect of missense changes on protein structure and function (PolyPhen-2) suggests that this variant is likely to be disruptive. In summary, the available evidence is currently insufficient to determine the role of this variant in disease. Therefore, it has been classified as a Variant of Uncertain Significance.

NM_006033.4(LIPG):c.943C>T (p.Arg315Cys)

Gene: LIPG (lipase G, endothelial type; plus strand). Cytogenetic location: 18q21.1.
Variant type: single nucleotide variant.
Coding change: c.943C>T on transcript NM_006033.4 (MANE Select); coding-DNA position 943, C replaced by T.
Protein change: p.Arg315Cys; replaces arginine 315 with cysteine.
Molecular consequence: missense variant.
Genome position (GRCh38, 1-based): chr18:49,581,564, C>T. VCF-style: chr18-49581564-C-T. GRCh37 (hg19) VCF-style: chr18-47107934-C-T.
Other names: c.721C>T, p.Arg241Cys (NM_001308006.2); short protein forms R315C, R241C.
Identifiers: ClinVar variation 4754231 (VCV004754231.1).